The following is an entry in ClinVar:

NM_000059.4(BRCA2):c.1909+582A>G

Gene: BRCA2 (BRCA2 DNA repair associated; plus strand). Cytogenetic location: 13q13.1.
Variant type: single nucleotide variant.
Coding change: c.1909+582A>G on transcript NM_000059.4 (MANE Select); 582 bases into the intron after coding-DNA position 1909, A replaced by G.
Molecular consequence: intron variant.
Genome position (GRCh38, 1-based): chr13:32,333,969, A>G. VCF-style: chr13-32333969-A-G. GRCh37 (hg19) VCF-style: chr13-32908106-A-G.
Other names: IVS 10+582A>G.
Identifiers: ClinVar variation 209937 (VCV000209937.1), dbSNP rs206074, ClinGen allele CA276904.

ClinVar aggregate classification (germline): Benign (3 of 4 stars; one submission).

Conditions:
Breast-ovarian cancer, familial, susceptibility to, 2 (BROVCA2). Also called: BRCA2 Hereditary Breast and Ovarian Cancer. Identifiers: Orphanet 145, MedGen C2675520, MONDO:0012933, OMIM 612555. Disease mechanism: loss of function.

Allele frequency attached by ClinVar (database versions not stated): 1000 Genomes Project 30x 0.97283; 1000 Genomes Project 0.97404; TOPMed 0.97590; gnomAD 0.97686 and 0.97834.
gnomAD v4.1: 149,055 of 152,320 alleles (98%); highest among the groups gnomAD compares: East Asian, 100%; 73,014 homozygotes.

Submission:

Evidence-based Network for the Interpretation of Germline Mutant Alleles (ENIGMA)
Classification: Benign for Breast-ovarian cancer, familial 2. Last evaluated: 2015-01-12. Review status: reviewed by expert panel. Criteria: ENIGMA BRCA1/2 Classification Criteria (2015). Collection method: curation. Allele origin: germline.
Comment: Class 1 not pathogenic based on frequency >1% in an outbred sampleset. Frequency 0.8902 (African), derived from 1000 genomes (2012-04-30).